The following is an entry in ClinVar:

NM_001303256.3(MORC2):c.988-2del

Gene: MORC2 (MORC family CW-type zinc finger 2; minus strand). Cytogenetic location: 22q12.2.
Variant type: Deletion.
Coding change: c.988-2del on transcript NM_001303256.3 (MANE Select); the canonical splice acceptor site of the intron before coding-DNA position 988, one base deleted (A; older notation c.988-2delA).
Molecular consequence: splice acceptor variant.
Genome position (GRCh38, 1-based): chr22:30,939,708, T deleted on the plus strand (A on the coding strand, the reverse complement: MORC2 is on the minus strand). VCF-style (leftmost placement, unchanged base first): chr22-30939707-CT-C. GRCh37 (hg19) VCF-style: chr22-31335694-CT-C.
Other names: c.988-2del (NM_001303257.2); c.802-2del (NM_014941.3).
Identifiers: ClinVar variation 1523547 (VCV001523547.6), dbSNP rs2147260886, ClinGen allele CA2573157914.

ClinVar aggregate classification (germline): Uncertain significance (1 of 4 stars; one submission).

Conditions:
Charcot-Marie-Tooth disease axonal type 2Z. Also called: CHARCOT-MARIE-TOOTH DISEASE, AXONAL, AUTOSOMAL DOMINANT, TYPE 2Z; CHARCOT-MARIE-TOOTH NEUROPATHY, TYPE 2Z. Identifiers: Orphanet 466768, MedGen C5569025, MONDO:0014736, OMIM 616688.

Submission:

Labcorp Genetics (formerly Invitae), Labcorp
Classification: Uncertain significance for Charcot-Marie-Tooth disease axonal type 2Z. Last evaluated: 2021-08-20. Review status: criteria provided, single submitter. Criteria: Invitae Variant Classification Sherloc (09022015). Collection method: clinical testing. Allele origin: germline.
Comment: This sequence change affects a splice site in intron 11 of the MORC2 gene. It is expected to disrupt RNA splicing. Variants that disrupt the donor or acceptor splice site typically lead to a loss of protein function (PMID: 16199547), however the current clinical and genetic evidence is not sufficient to establish whether loss-of-function variants in MORC2 cause disease. This variant is not present in population databases (ExAC no frequency). This variant has not been reported in the literature in individuals affected with MORC2-related conditions. Algorithms developed to predict the effect of sequence changes on RNA splicing suggest that this variant may disrupt the consensus splice site. In summary, the available evidence is currently insufficient to determine the role of this variant in disease. Therefore, it has been classified as a Variant of Uncertain Significance.

Literature cited by the submitters: PubMed 16199547.